The following is an entry in ClinVar:

NM_017662.5(TRPM6):c.1141A>G (p.Ile381Val)

Gene: TRPM6 (transient receptor potential cation channel subfamily M member 6; minus strand). Cytogenetic location: 9q21.13.
Variant type: single nucleotide variant.
Coding change: c.1141A>G on transcript NM_017662.5 (MANE Select); coding-DNA position 1141, A replaced by G.
Protein change: p.Ile381Val; replaces isoleucine 381 with valine.
Molecular consequence: missense variant.
Genome position (GRCh38, 1-based): chr9:74,816,958, T>C on the plus strand (A>G on the coding strand, the complement: TRPM6 is on the minus strand). VCF-style: chr9-74816958-T-C. GRCh37 (hg19) VCF-style: chr9-77431874-T-C.
Other names: c.1126A>G, p.Ile376Val (NM_001177310.2, NM_001177311.2); short protein forms I381V, I376V.
Identifiers: ClinVar variation 1921554 (VCV001921554.5), dbSNP rs147116298, ClinGen allele CA5084941.

ClinVar aggregate classification (germline): Uncertain significance (1 of 4 stars; one submission).

Allele frequency attached by ClinVar (database versions not stated): ExAC 0.00001; gnomAD exomes 0.00001; gnomAD 0.00003; TOPMed 0.00005; ESP Exome Variant Server 0.00008.

Submission:

Labcorp Genetics (formerly Invitae), Labcorp
Classification: Uncertain significance. Last evaluated: 2025-06-12. Review status: criteria provided, single submitter. Criteria: Invitae Variant Classification Sherloc (09022015). Collection method: clinical testing. Allele origin: germline.
Comment: This sequence change replaces isoleucine, which is neutral and non-polar, with valine, which is neutral and non-polar, at codon 381 of the TRPM6 protein (p.Ile381Val). This variant is present in population databases (rs147116298, gnomAD 0.008%). This variant has not been reported in the literature in individuals affected with TRPM6-related conditions. ClinVar contains an entry for this variant (Variation ID: 1921554). Invitae Evidence Modeling of protein sequence and biophysical properties (such as structural, functional, and spatial information, amino acid conservation, physicochemical variation, residue mobility, and thermodynamic stability) indicates that this missense variant is not expected to disrupt TRPM6 protein function with a negative predictive value of 80%. In summary, the available evidence is currently insufficient to determine the role of this variant in disease. Therefore, it has been classified as a Variant of Uncertain Significance.